The following is an entry in ClinVar:

ClinVar aggregate classification (germline): Uncertain significance (1 of 4 stars; one submission).

Conditions:
Hereditary spastic paraplegia 39 (SPG39). Also called: SPASTIC PARAPLEGIA 39, AUTOSOMAL RECESSIVE; Spastic Paraplegia Type 39 (SPG39). Identifiers: Orphanet 139480, MedGen C2677586, MONDO:0012787, OMIM 612020.

Allele frequency attached by ClinVar (database versions not stated): gnomAD exomes below 0.00001.
gnomAD v4.1: 1 of 1,609,496 alleles (0.000062%); highest among the groups gnomAD compares: Non-Finnish European, 0.000085%; no homozygotes.

Submission:

Labcorp Genetics (formerly Invitae), Labcorp
Classification: Uncertain significance for Hereditary spastic paraplegia 39. Last evaluated: 2022-01-28. Review status: criteria provided, single submitter. Criteria: Invitae Variant Classification Sherloc (09022015). Collection method: clinical testing. Allele origin: germline.
Comment: This sequence change replaces glycine, which is neutral and non-polar, with aspartic acid, which is acidic and polar, at codon 1056 of the PNPLA6 protein (p.Gly1056Asp). Algorithms developed to predict the effect of missense changes on protein structure and function (SIFT, PolyPhen-2, Align-GVGD) all suggest that this variant is likely to be disruptive. This variant is not present in population databases (gnomAD no frequency). This variant has not been reported in the literature in individuals affected with PNPLA6-related conditions. In summary, the available evidence is currently insufficient to determine the role of this variant in disease. Therefore, it has been classified as a Variant of Uncertain Significance.

NM_001166114.2(PNPLA6):c.3281G>A (p.Gly1094Asp)

Gene: PNPLA6 (patatin like domain 6, lysophospholipase; plus strand). Cytogenetic location: 19p13.2.
Variant type: single nucleotide variant.
Coding change: c.3281G>A on transcript NM_001166114.2 (MANE Select); coding-DNA position 3281, G replaced by A.
Protein change: p.Gly1094Asp; replaces glycine 1094 with aspartic acid.
Molecular consequence: missense variant.
Genome position (GRCh38, 1-based): chr19:7,557,168, G>A. VCF-style: chr19-7557168-G-A. GRCh37 (hg19) VCF-style: chr19-7622054-G-A.
Other names: c.3311G>A, p.Gly1104Asp (NM_001166111.2); c.3086G>A, p.Gly1029Asp (NM_001166112.2); c.3167G>A, p.Gly1056Asp (NM_001166113.1, NM_006702.5); short protein forms G1029D, G1094D, G1104D, G1056D.
Identifiers: ClinVar variation 1981326 (VCV001981326.4), dbSNP rs1158367166, ClinGen allele CA403133659.